The following is an entry in ClinVar:

NM_001128425.2(MUTYH):c.35G>C (p.Trp12Ser)

Genes: MUTYH (mutY DNA glycosylase; minus strand), TOE1 (target of EGR1, exonuclease; plus strand). Cytogenetic location: 1p34.1.
Variant type: single nucleotide variant.
Coding change: c.35G>C on transcript NM_001128425.2 (MANE Plus Clinical); coding-DNA position 35, G replaced by C.
Protein change: p.Trp12Ser; replaces tryptophan 12 with serine.
Molecular consequence: missense variant. On other transcripts: non-coding transcript variant (2), intron variant (1), 5 prime UTR variant (7).
Genome position (GRCh38, 1-based): chr1:45,340,220, C>G on the plus strand (G>C on the coding strand, the complement: MUTYH is on the minus strand). VCF-style: chr1-45340220-C-G. GRCh37 (hg19) VCF-style: chr1-45805892-C-G.
Other names: c.-7+3G>C (NM_001407072.1); c.-33C>G (NM_025077.4); c.-8G>C (NM_001048171.2); c.35G>C, p.Trp12Ser (NM_001293190.2, NM_001407069.1, NM_001407073.1 and 1 more transcripts); c.-220G>C (NM_001293192.2); c.-279G>C (NM_001350650.2); c.-215G>C (NM_001350651.2); c.-24G>C (NM_001407070.1, NM_001407071.1); short protein forms W12S.
Identifiers: ClinVar variation 823977 (VCV000823977.13), dbSNP rs1064795596, ClinGen allele CA340137833.

ClinVar aggregate classification (germline): Conflicting classifications of pathogenicity. Review status: criteria provided, conflicting classifications (1 of 4 stars). 2 submissions from 2 submitters: Uncertain significance (1); Likely benign (1). Last evaluated 2026-09-04.

Conditions:
Hereditary cancer-predisposing syndrome. Also called: Tumor predisposition; Neoplastic Syndromes, Hereditary; Hereditary Cancer Syndrome; Hereditary neoplastic syndrome. Identifiers: Orphanet 140162, MedGen C0027672, MeSH D009386, MONDO:0015356.
Familial adenomatous polyposis 2. Also called: COLORECTAL ADENOMATOUS POLYPOSIS, AUTOSOMAL RECESSIVE; MYH-associated polyposis; FAP type 2; Adenomas, multiple colorectal; MUTYH Polyposis; ADENOMAS, MULTIPLE COLORECTAL, AUTOSOMAL RECESSIVE. Identifiers: Orphanet 220460, Orphanet 247798, MedGen C3272841, MONDO:0012041, OMIM 608456.

gnomAD v4.1: 1 of 1,613,844 alleles (0.000062%); highest among the groups gnomAD compares: South Asian, 0.0011%; no homozygotes.

Submissions (2):

Ambry Genetics
Classification: Likely benign for Hereditary cancer-predisposing syndrome. Last evaluated: 2026-09-04. Review status: criteria provided, single submitter. Criteria: Ambry Variant Classification Scheme 2023. Collection method: clinical testing. Allele origin: germline.

Labcorp Genetics (formerly Invitae), Labcorp
Classification: Uncertain significance for Familial adenomatous polyposis 2. Last evaluated: 2024-10-14. Review status: criteria provided, single submitter. Criteria: Invitae Variant Classification Sherloc (09022015). Collection method: clinical testing. Allele origin: germline.
Comment: This sequence change replaces tryptophan, which is neutral and slightly polar, with serine, which is neutral and polar, at codon 12 of the MUTYH protein (p.Trp12Ser). This variant is not present in population databases (gnomAD no frequency). This variant has not been reported in the literature in individuals affected with MUTYH-related conditions. ClinVar contains an entry for this variant (Variation ID: 823977). An algorithm developed to predict the effect of missense changes on protein structure and function (PolyPhen-2) suggests that this variant is likely to be tolerated. In summary, the available evidence is currently insufficient to determine the role of this variant in disease. Therefore, it has been classified as a Variant of Uncertain Significance.